The following is an entry in ClinVar:

NM_020754.4(ARHGAP31):c.3643C>G (p.Pro1215Ala)

Gene: ARHGAP31 (Rho GTPase activating protein 31; plus strand). Cytogenetic location: 3q13.33.
Variant type: single nucleotide variant.
Coding change: c.3643C>G on transcript NM_020754.4 (MANE Select); coding-DNA position 3643, C replaced by G.
Protein change: p.Pro1215Ala; replaces proline 1215 with alanine.
Molecular consequence: missense variant.
Genome position (GRCh38, 1-based): chr3:119,415,572, C>G. VCF-style: chr3-119415572-C-G. GRCh37 (hg19) VCF-style: chr3-119134419-C-G.
Other names: short protein forms P1215A.
Identifiers: ClinVar variation 3602397 (VCV003602397.1).
Genomic context (GRCh38, chr3:119,415,572, plus strand): 5'-TGCCAGGCCAGGGCGGTCCCAGTCATCCCTCCCAAGATTCAGTACACCCAGATCCCACAG[C>G]CCCTGCCCTCTCAGAGCTCAGGGGAGAATGGGGTTCAGCCTCTGGAGAGGAGCCAGGAGG-3'
Protein context (NP_065805.2, residues 1205-1225): PKIQYTQIPQ[Pro1215Ala]LPSQSSGENG

ClinVar aggregate classification (germline): Uncertain significance (1 of 4 stars; one submission).

Submission:

GeneDx
Classification: Uncertain significance. Last evaluated: 2024-07-26. Review status: criteria provided, single submitter. Criteria: GeneDx Variant Classification Process June 2021. Collection method: clinical testing. Allele origin: germline. Affected: yes.
Comment: Not observed at significant frequency in large population cohorts (gnomAD); In silico analysis indicates that this missense variant does not alter protein structure/function; Has not been previously published as pathogenic or benign to our knowledge